The following is an entry in ClinVar:

ClinVar aggregate classification (germline): Pathogenic (1 of 4 stars; one submission).

Conditions:
Tuberous sclerosis 2 (TSC2). Identifiers: Orphanet 805, MedGen C1860707, MONDO:0013199, OMIM 613254.

Submission:

Labcorp Genetics (formerly Invitae), Labcorp
Classification: Pathogenic for Tuberous sclerosis 2. Last evaluated: 2022-08-22. Review status: criteria provided, single submitter. Criteria: Invitae Variant Classification Sherloc (09022015). Collection method: clinical testing. Allele origin: germline.
Comment: Experimental studies have shown that this missense change does not substantially affect TSC2 function (PMID: 31799751). Algorithms developed to predict the effect of missense changes on protein structure and function are either unavailable or do not agree on the potential impact of this missense change (SIFT: "Deleterious"; PolyPhen-2: "Probably Damaging"; Align-GVGD: "Class C0"). This missense change has been observed in individual(s) with tuberous sclerosis complex (PMID: 29432982, 31799751). This variant is not present in population databases (gnomAD no frequency). This sequence change replaces aspartic acid, which is acidic and polar, with tyrosine, which is neutral and polar, at codon 1656 of the TSC2 protein (p.Asp1656Tyr). RNA analysis indicates that this missense change induces altered splicing and may result in an absent or disrupted protein product. Studies have shown that this missense change results in activation of a cryptic splice site and introduces a premature termination codon (PMID: 31799751). The resulting mRNA is expected to undergo nonsense-mediated decay. For these reasons, this variant has been classified as Pathogenic.

Literature cited by the submitters: PubMed 31799751; PubMed 29432982.

NM_000548.5(TSC2):c.4966G>T (p.Asp1656Tyr)

Gene: TSC2 (TSC complex subunit 2; plus strand). Cytogenetic location: 16p13.3.
Variant type: single nucleotide variant.
Coding change: c.4966G>T on transcript NM_000548.5 (MANE Select); coding-DNA position 4966, G replaced by T.
Protein change: p.Asp1656Tyr; replaces aspartic acid 1656 with tyrosine.
Molecular consequence: missense variant.
Genome position (GRCh38, 1-based): chr16:2,086,848, G>T. VCF-style: chr16-2086848-G-T. GRCh37 (hg19) VCF-style: chr16-2136849-G-T.
Other names: c.4786G>T, p.Asp1596Tyr (NM_001406670.1); c.4756G>T, p.Asp1586Tyr (NM_001406671.1); c.4753G>T, p.Asp1585Tyr (NM_001406673.1); c.4750G>T, p.Asp1584Tyr (NM_001406675.1); c.4747G>T, p.Asp1583Tyr (NM_001406676.1); c.4708G>T, p.Asp1570Tyr (NM_001406677.1); c.4654G>T, p.Asp1552Tyr (NM_001406678.1); c.4618G>T, p.Asp1540Tyr (NM_001406679.1); and 26 more; short protein forms D1164Y, D1552Y, D1570Y, D1585Y, D1613Y, D1632Y, D1142Y, D1185Y.
Identifiers: ClinVar variation 2152255 (VCV002152255.4), dbSNP rs773255614, ClinGen allele CA394309030.